The following is an entry in ClinVar:

ClinVar aggregate classification (germline): Uncertain significance. Review status: criteria provided, multiple submitters, no conflicts (2 of 4 stars). 2 submissions from 2 submitters: Uncertain significance (2). Last evaluated 2025-07-06.

Conditions:
Rhabdoid tumor predisposition syndrome 2 (RTPS2). Identifiers: Orphanet 231108, Orphanet 69077, MedGen C2750074, MONDO:0013224, OMIM 613325.
Hereditary cancer-predisposing syndrome. Also called: Neoplastic Syndromes, Hereditary; Hereditary Cancer Syndrome; Hereditary neoplastic syndrome; Tumor predisposition. Identifiers: Orphanet 140162, MedGen C0027672, MeSH D009386, MONDO:0015356.

Submissions (2):

Labcorp Genetics (formerly Invitae), Labcorp
Classification: Uncertain significance for Rhabdoid tumor predisposition syndrome 2. Last evaluated: 2025-07-06. Review status: criteria provided, single submitter. Criteria: Invitae Variant Classification Sherloc (09022015). Collection method: clinical testing. Allele origin: germline.
Comment: This sequence change replaces glycine, which is neutral and non-polar, with arginine, which is basic and polar, at codon 1673 of the SMARCA4 protein (p.Gly1673Arg). This variant is not present in population databases (gnomAD no frequency). This variant has not been reported in the literature in individuals affected with SMARCA4-related conditions. ClinVar contains an entry for this variant (Variation ID: 934722). Experimental studies and prediction algorithms are not available or were not evaluated, and the functional significance of this variant is currently unknown. In summary, the available evidence is currently insufficient to determine the role of this variant in disease. Therefore, it has been classified as a Variant of Uncertain Significance.

Ambry Genetics
Classification: Uncertain significance for Hereditary cancer-predisposing syndrome. Last evaluated: 2024-02-01. Review status: criteria provided, single submitter. Criteria: Ambry Variant Classification Scheme 2023. Collection method: clinical testing. Allele origin: germline.
Comment: The p.G1673R variant (also known as c.5017G>C), located in coding exon 35 of the SMARCA4 gene, results from a G to C substitution at nucleotide position 5017. The glycine at codon 1673 is replaced by arginine, an amino acid with dissimilar properties. This amino acid position is well conserved in available vertebrate species. In addition, the in silico prediction for this alteration is inconclusive. Based on the available evidence, the clinical significance of this alteration remains unclear.

NM_003072.5(SMARCA4):c.4921G>C (p.Gly1641Arg)

Gene: SMARCA4 (SWI/SNF related BAF chromatin remodeling complex subunit ATPase 4; plus strand). Cytogenetic location: 19p13.2.
Variant type: single nucleotide variant.
Coding change: c.4921G>C on transcript NM_003072.5 (MANE Select); coding-DNA position 4921, G replaced by C.
Protein change: p.Gly1641Arg; replaces glycine 1641 with arginine.
Molecular consequence: missense variant. On other transcripts: non-coding transcript variant (1).
Genome position (GRCh38, 1-based): chr19:11,061,793, G>C. VCF-style: chr19-11061793-G-C. GRCh37 (hg19) VCF-style: chr19-11172469-G-C.
Other names: c.4921G>C, p.Gly1641Arg (NM_001128844.3); c.4831G>C, p.Gly1611Arg (NM_001128845.2); c.4828G>C, p.Gly1610Arg (NM_001128846.2); c.4822G>C, p.Gly1608Arg (NM_001128847.4, NM_001374457.1); c.4819G>C, p.Gly1607Arg (NM_001128848.2); c.5017G>C, p.Gly1673Arg (NM_001128849.3); short protein forms G1610R, G1673R, G1611R, G1607R, G1608R, G1641R.
Identifiers: ClinVar variation 934722 (VCV000934722.10), dbSNP rs1188692885, ClinGen allele CA404081844.